The following is an entry in ClinVar:

NM_015346.4(ZFYVE26):c.4196C>T (p.Thr1399Ile)

Gene: ZFYVE26 (zinc finger FYVE-type containing 26; minus strand). Cytogenetic location: 14q24.1.
Variant type: single nucleotide variant.
Coding change: c.4196C>T on transcript NM_015346.4 (MANE Select); coding-DNA position 4196, C replaced by T.
Protein change: p.Thr1399Ile; replaces threonine 1399 with isoleucine.
Molecular consequence: missense variant.
Genome position (GRCh38, 1-based): chr14:67,782,956, G>A on the plus strand (C>T on the coding strand, the complement: ZFYVE26 is on the minus strand). VCF-style: chr14-67782956-G-A. GRCh37 (hg19) VCF-style: chr14-68249673-G-A.
Other names: short protein forms T1399I.
Identifiers: ClinVar variation 3766242 (VCV003766242.1).
Genomic context (GRCh38, chr14:67,782,956, plus strand): 5'-TCCTCAAAAGCCTCACTCAGTACATCTAGGGCAATGGGAGAATGTAGGCCCAGGAGAACG[G>A]TAGAAAGACTGGCCCAACCACAGAGATTCACTGCCAGACTCTGCCCCTGCTGCAAAGACC-3'
Protein context (NP_056161.2, residues 1389-1409): VNLCGWASLS[Thr1399Ile]VLLGLHSPIA

ClinVar aggregate classification (germline): Uncertain significance (1 of 4 stars; one submission).

Submission:

GeneDx
Classification: Uncertain significance. Last evaluated: 2024-08-25. Review status: criteria provided, single submitter. Criteria: GeneDx Variant Classification Process June 2021. Collection method: clinical testing. Allele origin: germline. Affected: yes.
Comment: Not observed at significant frequency in large population cohorts (gnomAD); In silico analysis indicates that this missense variant does not alter protein structure/function; Has not been previously published as pathogenic or benign to our knowledge